The following is an entry in ClinVar:

NC_000023.10:g.(149828958_149831905)_(149841617_?)dup

Gene: MTM1 (myotubularin 1; plus strand). Cytogenetic location: Xq28.
Variant type: Duplication.
Identifiers: ClinVar variation 3375320 (VCV003375320.1).

ClinVar aggregate classification (germline): Uncertain significance (1 of 4 stars; one submission).

Submission:

Women's Health and Genetics/Laboratory Corporation of America, LabCorp
Classification: Uncertain significance. Last evaluated: 2024-09-23. Review status: criteria provided, single submitter. Criteria: LabCorp Variant Classification Summary - May 2015. Collection method: clinical testing. Allele origin: germline.
Comment: Variant summary: The variant involves the duplication of exons 14-15 in the MTM1 gene. A presumed nomenclature of c.(1467+1_1468-1)_(*1549_?)dup has been designated for the purposes of this classification. The exact breakpoint at the 3' end of this variant is unknown, therefore this duplication may extend downstream of the annotated region of the gene. As it duplicates the termination codon, its effect on the encoded protein is unknown. The variant was absent in 16120 control chromosomes (gnomAD, structural variants dataset). The available data on variant occurrences in the general population are insufficient to allow any conclusion about variant significance. To our knowledge, no occurrence of c.(1467+1_1468-1)_(*1549_?)dup in individuals affected with Severe X-Linked Myotubular Myopathy and no experimental evidence demonstrating its impact on protein function have been reported. No submitters have cited clinical-significance assessments for this variant to ClinVar. Based on the evidence outlined above, the variant was classified as uncertain significance.